The following is an entry in ClinVar:

NM_004999.4(MYO6):c.592G>C (p.Val198Leu)

Gene: MYO6 (myosin VI; plus strand). Cytogenetic location: 6q14.1.
Variant type: single nucleotide variant.
Coding change: c.592G>C on transcript NM_004999.4 (MANE Select); coding-DNA position 592, G replaced by C.
Protein change: p.Val198Leu; replaces valine 198 with leucine.
Molecular consequence: missense variant. On other transcripts: non-coding transcript variant (2).
Genome position (GRCh38, 1-based): chr6:75,840,623, G>C. VCF-style: chr6-75840623-G-C. GRCh37 (hg19) VCF-style: chr6-76550340-G-C.
Other names: c.592G>C, p.Val198Leu (NM_001300899.2, NM_001368136.1, NM_001368137.1 and 4 more transcripts); c.577G>C, p.Val193Leu (NM_001368138.1); short protein forms V193L, V198L.
Identifiers: ClinVar variation 4070671 (VCV004070671.1).
Genomic context (GRCh38, chr6:75,840,623, plus strand): 5'-GGATTTTTTTGTTTCTCAATAGCTAACCCACTCCTAGAAGCCTTTGGAAATGCGAAGACT[G>C]TTCGCAACAATAATAGCAGTCGATTTGGGAAATTTGTAGAAATACATTTTAATGAAAAGG-3'
Protein context (NP_004990.3, residues 188-208): LLEAFGNAKT[Val198Leu]RNNNSSRFGK

ClinVar aggregate classification (germline): Uncertain significance (1 of 4 stars; one submission).

Submission:

GeneDx
Classification: Uncertain significance. Last evaluated: 2025-01-09. Review status: criteria provided, single submitter. Criteria: GeneDx Variant Classification Process June 2021. Collection method: clinical testing. Allele origin: germline. Affected: yes.
Comment: Not observed at significant frequency in large population cohorts (gnomAD); In silico analysis indicates that this missense variant does not alter protein structure/function; Has not been previously published as pathogenic or benign to our knowledge